The following is an entry in ClinVar:

NM_032608.7(MYO18B):c.6288-3T>C

Gene: MYO18B (myosin XVIIIB; plus strand). Cytogenetic location: 22q12.1.
Variant type: single nucleotide variant.
Coding change: c.6288-3T>C on transcript NM_032608.7 (MANE Select); 3 bases into the intron before coding-DNA position 6288, T replaced by C.
Molecular consequence: intron variant.
Genome position (GRCh38, 1-based): chr22:26,003,262, T>C. VCF-style: chr22-26003262-T-C. GRCh37 (hg19) VCF-style: chr22-26399228-T-C.
Other names: c.6291-3T>C (NM_001318245.2).
Identifiers: ClinVar variation 2076031 (VCV002076031.1), dbSNP rs757166606, ClinGen allele CA10161479.
Genomic context (GRCh38, chr22:26,003,262, plus strand): 5'-AACCATGCTTCCAAGCCCCTGGCAGCACGAGGATAACACACTCTTTCTTGTGCCTCTTAC[T>C]AGTGTCCAGACGGCAGTGGATTGTGGCAGCAGCGGCCGAAAAGAGATGTAAGTTAACCCC-3'

ClinVar aggregate classification (germline): Uncertain significance (1 of 4 stars; one submission).

gnomAD v4.1: 7 of 1,608,282 alleles (0.00044%); highest among the groups gnomAD compares: Admixed American, 0.012%; no homozygotes.

Submission:

Labcorp Genetics (formerly Invitae), Labcorp
Classification: Uncertain significance. Last evaluated: 2022-08-22. Review status: criteria provided, single submitter. Criteria: Invitae Variant Classification Sherloc (09022015). Collection method: clinical testing. Allele origin: germline.
Comment: This sequence change falls in intron 40 of the MYO18B gene. It does not directly change the encoded amino acid sequence of the MYO18B protein. It affects a nucleotide within the consensus splice site. The frequency data for this variant in the population databases is considered unreliable, as metrics indicate poor data quality at this position in the gnomAD database. This variant has not been reported in the literature in individuals affected with MYO18B-related conditions. Variants that disrupt the consensus splice site are a relatively common cause of aberrant splicing (PMID: 17576681, 9536098). Algorithms developed to predict the effect of sequence changes on RNA splicing suggest that this variant is not likely to affect RNA splicing. In summary, the available evidence is currently insufficient to determine the role of this variant in disease. Therefore, it has been classified as a Variant of Uncertain Significance.

Literature cited by the submitters: PubMed 17576681; PubMed 9536098.